The following is an entry in ClinVar:

NM_001382567.1(STIM1):c.796C>T (p.His266Tyr)

Gene: STIM1 (stromal interaction molecule 1; plus strand). Cytogenetic location: 11p15.4.
Variant type: single nucleotide variant.
Coding change: c.796C>T on transcript NM_001382567.1 (MANE Select); coding-DNA position 796, C replaced by T.
Protein change: p.His266Tyr; replaces histidine 266 with tyrosine.
Molecular consequence: missense variant.
Genome position (GRCh38, 1-based): chr11:4,074,506, C>T. VCF-style: chr11-4074506-C-T. GRCh37 (hg19) VCF-style: chr11-4095736-C-T.
Other names: c.796C>T, p.His266Tyr (NM_001277961.3, NM_001277962.2, NM_001382568.1 and 2 more transcripts); c.574C>T, p.His192Tyr (NM_001382566.1, NM_001382573.1, NM_001382574.1 and 5 more transcripts); c.661C>T, p.His221Tyr (NM_001382569.1); c.568C>T, p.His190Tyr (NM_001382570.1); c.316C>T, p.His106Tyr (NM_001382571.1); c.307C>T, p.His103Tyr (NM_001382580.1, NM_001382581.1); short protein forms H103Y, H106Y, H190Y, H192Y, H221Y, H266Y.
Identifiers: ClinVar variation 1059192 (VCV001059192.11), dbSNP rs2133185569, ClinGen allele CA379190149.

ClinVar aggregate classification (germline): Uncertain significance. Review status: criteria provided, multiple submitters, no conflicts (2 of 4 stars). 2 submissions from 2 submitters: Uncertain significance (2). Last evaluated 2026-01-22.

Conditions:
Stormorken syndrome (STRMK). Also called: THROMBOCYTOPATHY, ASPLENIA, AND MIOSIS. Identifiers: Orphanet 3204, MedGen C1861451, MONDO:0008497, OMIM 185070.
Combined immunodeficiency due to STIM1 deficiency. Also called: STIM1 DEFICIENCY; IMMUNODEFICIENCY 10. Identifiers: Orphanet 169090, Orphanet 317430, MedGen C2748557, MONDO:0013008, OMIM 612783.
Myopathy with tubular aggregates (TAM). Also called: Tubular Aggregate Myopathy. Identifiers: Orphanet 2593, MedGen C0410207, MONDO:0008051.

Allele frequency attached by ClinVar (database versions not stated): gnomAD exomes 0.00001.
gnomAD v4.1: 16 of 1,613,588 alleles (0.00099%); highest among the groups gnomAD compares: Non-Finnish European, 0.0014%; no homozygotes.

Submissions (2):

GeneDx
Classification: Uncertain significance. Last evaluated: 2026-01-22. Review status: criteria provided, single submitter. Criteria: GeneDx Variant Classification Process June 2021. Collection method: clinical testing. Allele origin: germline. Affected: yes.
Comment: Not observed at significant frequency in large population cohorts (gnomAD); In silico analysis suggests that this missense variant does not alter protein structure/function; Has not been previously published as pathogenic or benign to our knowledge

Labcorp Genetics (formerly Invitae), Labcorp
Classification: Uncertain significance for Myopathy with tubular aggregates; Combined immunodeficiency due to STIM1 deficiency; Stormorken syndrome. Last evaluated: 2023-06-20. Review status: criteria provided, single submitter. Criteria: Invitae Variant Classification Sherloc (09022015). Collection method: clinical testing. Allele origin: germline.
Comment: This variant is not present in population databases (gnomAD no frequency). In summary, the available evidence is currently insufficient to determine the role of this variant in disease. Therefore, it has been classified as a Variant of Uncertain Significance. Advanced modeling of protein sequence and biophysical properties (such as structural, functional, and spatial information, amino acid conservation, physicochemical variation, residue mobility, and thermodynamic stability) has been performed at Invitae for this missense variant, however the output from this modeling did not meet the statistical confidence thresholds required to predict the impact of this variant on STIM1 protein function. ClinVar contains an entry for this variant (Variation ID: 1059192). This variant has not been reported in the literature in individuals affected with STIM1-related conditions. This sequence change replaces histidine, which is basic and polar, with tyrosine, which is neutral and polar, at codon 266 of the STIM1 protein (p.His266Tyr).